The following is an entry in ClinVar:

ClinVar aggregate classification (germline): Uncertain significance (1 of 4 stars; one submission).

Conditions:
Cardiovascular phenotype. Identifiers: MedGen CN230736.

Submission:

Ambry Genetics
Classification: Uncertain significance for Cardiovascular phenotype. Last evaluated: 2026-01-18. Review status: criteria provided, single submitter. Criteria: Ambry Variant Classification Scheme 2023. Collection method: clinical testing. Allele origin: germline.
Comment: The p.S308Y variant (also known as c.923C>A), located in coding exon 7 of the SPRED1 gene, results from a C to A substitution at nucleotide position 923. The serine at codon 308 is replaced by tyrosine, an amino acid with dissimilar properties. This amino acid position is conserved. In addition, the in silico prediction for this alteration is inconclusive. Based on the available evidence, the clinical significance of this variant remains unclear.

NM_152594.3(SPRED1):c.923C>A (p.Ser308Tyr)

Gene: SPRED1 (sprouty related EVH1 domain containing 1; plus strand). Cytogenetic location: 15q14.
Variant type: single nucleotide variant.
Coding change: c.923C>A on transcript NM_152594.3 (MANE Select); coding-DNA position 923, C replaced by A.
Protein change: p.Ser308Tyr; replaces serine 308 with tyrosine.
Molecular consequence: missense variant.
Genome position (GRCh38, 1-based): chr15:38,351,252, C>A. VCF-style: chr15-38351252-C-A. GRCh37 (hg19) VCF-style: chr15-38643453-C-A.
Other names: short protein forms S308Y.
Identifiers: ClinVar variation 4825576 (VCV004825576.1).